The following is an entry in ClinVar:

NM_001458.5(FLNC):c.6418C>T (p.Arg2140Trp)

Genes: FLNC (filamin C; plus strand), FLNC-AS1 (FLNC antisense RNA 1; minus strand). Cytogenetic location: 7q32.1.
Variant type: single nucleotide variant.
Coding change: c.6418C>T on transcript NM_001458.5 (MANE Select); coding-DNA position 6418, C replaced by T.
Protein change: p.Arg2140Trp; replaces arginine 2140 with tryptophan.
Molecular consequence: missense variant.
Genome position (GRCh38, 1-based): chr7:128,853,771, C>T. VCF-style: chr7-128853771-C-T. GRCh37 (hg19) VCF-style: chr7-128493825-C-T.
Other names: c.6319C>T, p.Arg2107Trp (NM_001127487.2); short protein forms R2107W, R2140W.
Identifiers: ClinVar variation 2168180 (VCV002168180.6), dbSNP rs775518895, ClinGen allele CA4475975.

ClinVar aggregate classification (germline): Conflicting classifications of pathogenicity. Review status: criteria provided, conflicting classifications (1 of 4 stars). 2 submissions from 2 submitters: Uncertain significance (1); Likely benign (1). Last evaluated 2025-12-08.

Conditions:
Cardiovascular phenotype. Identifiers: MedGen CN230736.
Myofibrillar myopathy 5. Also called: FILAMINOPATHY, AUTOSOMAL DOMINANT; Filaminopathy (type). Identifiers: Orphanet 171445, MedGen C1836050, MONDO:0012289, OMIM 609524.
Hypertrophic cardiomyopathy 26. Also called: Cardiomyopathy, familial hypertrophic, 26. Identifiers: Orphanet 75249, MedGen C4310749, MONDO:0014883, OMIM 617047.
Distal myopathy with posterior leg and anterior hand involvement. Also called: WILLIAMS DISTAL MYOPATHY. Identifiers: Orphanet 63273, MedGen C3279722, MONDO:0013550, OMIM 614065.

Allele frequency attached by ClinVar (database versions not stated): gnomAD exomes below 0.00001; ExAC 0.00002; TOPMed 0.00002; gnomAD 0.00003.

Submissions (2):

Labcorp Genetics (formerly Invitae), Labcorp
Classification: Likely benign for Distal myopathy with posterior leg and anterior hand involvement; Myofibrillar myopathy 5; Hypertrophic cardiomyopathy 26. Last evaluated: 2025-12-08. Review status: criteria provided, single submitter. Criteria: Invitae Variant Classification Sherloc (09022015). Collection method: clinical testing. Allele origin: germline.

Ambry Genetics
Classification: Uncertain significance for Cardiovascular phenotype. Last evaluated: 2025-05-14. Review status: criteria provided, single submitter. Criteria: Ambry Variant Classification Scheme 2023. Collection method: clinical testing. Allele origin: germline.
Comment: The p.R2140W variant (also known as c.6418C>T), located in coding exon 39 of the FLNC gene, results from a C to T substitution at nucleotide position 6418. The arginine at codon 2140 is replaced by tryptophan, an amino acid with dissimilar properties. This amino acid position is conserved. In addition, this alteration is predicted to be deleterious by in silico analysis. Since supporting evidence is limited at this time, the clinical significance of this alteration remains unclear.